The following is an entry in ClinVar:

NM_001448.3(GPC4):c.1132G>T (p.Ala378Ser)

Gene: GPC4 (glypican 4; minus strand). Cytogenetic location: Xq26.2.
Variant type: single nucleotide variant.
Coding change: c.1132G>T on transcript NM_001448.3 (MANE Select); coding-DNA position 1132, G replaced by T.
Protein change: p.Ala378Ser; replaces alanine 378 with serine.
Molecular consequence: missense variant.
Genome position (GRCh38, 1-based): chrX:133,305,795, C>A on the plus strand (G>T on the coding strand, the complement: GPC4 is on the minus strand). VCF-style: chrX-133305795-C-A. GRCh37 (hg19) VCF-style: chrX-132439823-C-A.
Other names: short protein forms A378S.
Identifiers: ClinVar variation 3363593 (VCV003363593.1).

ClinVar aggregate classification (germline): Uncertain significance (1 of 4 stars; one submission).

gnomAD v4.1: 7 of 1,212,094 alleles (0.00058%); highest among the groups gnomAD compares: Non-Finnish European, 0.00078%; no homozygotes.

Submission:

GeneDx
Classification: Uncertain significance. Last evaluated: 2023-10-31. Review status: criteria provided, single submitter. Criteria: GeneDx Variant Classification Process June 2021. Collection method: clinical testing. Allele origin: germline. Affected: yes.
Comment: Not observed at significant frequency in large population cohorts (gnomAD); In silico analysis supports that this missense variant does not alter protein structure/function; Has not been previously published as pathogenic or benign to our knowledge